The following is an entry in ClinVar:

NM_002529.4(NTRK1):c.2056C>A (p.Arg686Ser)

Gene: NTRK1 (neurotrophic receptor tyrosine kinase 1; plus strand). Cytogenetic location: 1q23.1.
Variant type: single nucleotide variant.
Coding change: c.2056C>A on transcript NM_002529.4 (MANE Select); coding-DNA position 2056, C replaced by A.
Protein change: p.Arg686Ser; replaces arginine 686 with serine.
Molecular consequence: missense variant.
Genome position (GRCh38, 1-based): chr1:156,880,008, C>A. VCF-style: chr1-156880008-C-A. GRCh37 (hg19) VCF-style: chr1-156849800-C-A.
Other names: c.1948C>A, p.Arg650Ser (NM_001007792.1); c.2038C>A, p.Arg680Ser (NM_001012331.2); short protein forms R686S, R650S, R680S.
Identifiers: ClinVar variation 1387766 (VCV001387766.6), dbSNP rs41358549, ClinGen allele CA31124372.

ClinVar aggregate classification (germline): Uncertain significance (1 of 4 stars; one submission).

Conditions:
Hereditary insensitivity to pain with anhidrosis (CIPA). Also called: INSENSITIVITY TO PAIN, CONGENITAL, WITH ANHIDROSIS; hereditary sensory and autonomic neuropathy type 4; HSAN Type IV; NEUROPATHY, CONGENITAL SENSORY, WITH ANHIDROSIS; NTRK1 Congenital Insensitivity to Pain with Anhidrosis; FAMILIAL DYSAUTONOMIA, TYPE II. Identifiers: Orphanet 642, MedGen C0020074, MONDO:0009746, OMIM 256800.

Submission:

Labcorp Genetics (formerly Invitae), Labcorp
Classification: Uncertain significance for Hereditary insensitivity to pain with anhidrosis. Last evaluated: 2022-07-19. Review status: criteria provided, single submitter. Criteria: Invitae Variant Classification Sherloc (09022015). Collection method: clinical testing. Allele origin: germline.
Comment: In summary, the available evidence is currently insufficient to determine the role of this variant in disease. Therefore, it has been classified as a Variant of Uncertain Significance. Advanced modeling of protein sequence and biophysical properties (such as structural, functional, and spatial information, amino acid conservation, physicochemical variation, residue mobility, and thermodynamic stability) performed at Invitae indicates that this missense variant is not expected to disrupt NTRK1 protein function. ClinVar contains an entry for this variant (Variation ID: 1387766). This variant has not been reported in the literature in individuals affected with NTRK1-related conditions. This variant is not present in population databases (gnomAD no frequency). This sequence change replaces arginine, which is basic and polar, with serine, which is neutral and polar, at codon 680 of the NTRK1 protein (p.Arg680Ser).